The following is an entry in ClinVar:

ClinVar aggregate classification (germline): Uncertain significance (1 of 4 stars; one submission).

Conditions:
Cardiovascular phenotype. Identifiers: MedGen CN230736.

gnomAD v4.1: 1 of 1,614,106 alleles (0.000062%); highest among the groups gnomAD compares: Non-Finnish European, 0.000085%; no homozygotes.

Submission:

Ambry Genetics
Classification: Uncertain significance for Cardiovascular phenotype. Last evaluated: 2026-01-06. Review status: criteria provided, single submitter. Criteria: Ambry Variant Classification Scheme 2023. Collection method: clinical testing. Allele origin: germline.
Comment: The p.R101G variant (also known as c.301A>G), located in coding exon 2 of the CBL gene, results from an A to G substitution at nucleotide position 301. The arginine at codon 101 is replaced by glycine, an amino acid with dissimilar properties. This amino acid position is conserved. In addition, this alteration is predicted to be deleterious by in silico analysis. Based on the available evidence, the clinical significance of this variant remains unclear.

NM_005188.4(CBL):c.301A>G (p.Arg101Gly)

Gene: CBL (Cbl proto-oncogene; plus strand). Cytogenetic location: 11q23.3.
Variant type: single nucleotide variant.
Coding change: c.301A>G on transcript NM_005188.4 (MANE Select); coding-DNA position 301, A replaced by G.
Protein change: p.Arg101Gly; replaces arginine 101 with glycine.
Molecular consequence: missense variant.
Genome position (GRCh38, 1-based): chr11:119,232,553, A>G. VCF-style: chr11-119232553-A-G. GRCh37 (hg19) VCF-style: chr11-119103263-A-G.
Other names: short protein forms R101G.
Identifiers: ClinVar variation 4843623 (VCV004843623.1).